The following is an entry in ClinVar:

NM_002427.4(MMP13):c.138C>G (p.Tyr46Ter)

Genes: MMP13 (matrix metallopeptidase 13; minus strand), LOC126861318 (BRD4-independent group 4 enhancer GRCh37_chr11:102825894-102827093; plus strand). Cytogenetic location: 11q22.2.
Variant type: single nucleotide variant.
Coding change: c.138C>G on transcript NM_002427.4 (MANE Select); coding-DNA position 138, C replaced by G.
Protein change: p.Tyr46Ter; replaces tyrosine 46 with a stop codon.
Molecular consequence: nonsense.
Genome position (GRCh38, 1-based): chr11:102,955,476, G>C on the plus strand (C>G on the coding strand, the complement: MMP13 is on the minus strand). VCF-style: chr11-102955476-G-C. GRCh37 (hg19) VCF-style: chr11-102826205-G-C.
Other names: short protein forms Y46*.
Identifiers: ClinVar variation 1075359 (VCV001075359.7), dbSNP rs200537937, ClinGen allele CA382233290.
Genomic context (GRCh38, chr11:102,955,476, plus strand): 5'-CTCAGTCATGGAGCTTGCTGCATTCTCCTTCAGGATTCCCGCGAGATTTGTAGGATGGTA[G>C]TATGATCTCAGGTAGCGCTAGAAAAGACACCAAAATGAACTGCGTTTAAAAGAGAAGGAC-3'

ClinVar aggregate classification (germline): Pathogenic (1 of 4 stars; one submission).

Submission:

Labcorp Genetics (formerly Invitae), Labcorp
Classification: Pathogenic. Last evaluated: 2020-09-16. Review status: criteria provided, single submitter. Criteria: Invitae Variant Classification Sherloc (09022015). Collection method: clinical testing. Allele origin: germline.
Comment: This variant has not been reported in the literature in individuals with MMP13-related conditions. For these reasons, this variant has been classified as Pathogenic. Loss-of-function variants in MMP13 are known to be pathogenic (PMID: 24781753, 31413057). This variant is not present in population databases (ExAC no frequency). This sequence change creates a premature translational stop signal (p.Tyr46*) in the MMP13 gene. It is expected to result in an absent or disrupted protein product.

Literature cited by the submitters: PubMed 24781753; PubMed 31413057.